The following is an entry in ClinVar:

ClinVar aggregate classification (germline): Uncertain significance (1 of 4 stars; one submission).

Conditions:
Early-infantile DEE. Also called: Early infantile epileptic encephalopathy; Early infantile epileptic encephalopathy with suppression bursts; Ohtahara syndrome. Identifiers: Orphanet 1934, MedGen C0393706, MONDO:0800491.

Submission:

Labcorp Genetics (formerly Invitae), Labcorp
Classification: Uncertain significance for Early-infantile DEE. Last evaluated: 2023-03-08. Review status: criteria provided, single submitter. Criteria: Invitae Variant Classification Sherloc (09022015). Collection method: clinical testing. Allele origin: germline.
Comment: In summary, the available evidence is currently insufficient to determine the role of this variant in disease. Therefore, it has been classified as a Variant of Uncertain Significance. Advanced modeling of protein sequence and biophysical properties (such as structural, functional, and spatial information, amino acid conservation, physicochemical variation, residue mobility, and thermodynamic stability) has been performed at Invitae for this missense variant, however the output from this modeling did not meet the statistical confidence thresholds required to predict the impact of this variant on KCNQ2 protein function. This variant has not been reported in the literature in individuals affected with KCNQ2-related conditions. This variant is not present in population databases (gnomAD no frequency). This sequence change replaces valine, which is neutral and non-polar, with leucine, which is neutral and non-polar, at codon 233 of the KCNQ2 protein (p.Val233Leu).

NM_172107.4(KCNQ2):c.697G>C (p.Val233Leu)

Gene: KCNQ2 (potassium voltage-gated channel subfamily Q member 2; minus strand). Cytogenetic location: 20q13.33.
Variant type: single nucleotide variant.
Coding change: c.697G>C on transcript NM_172107.4 (MANE Select); coding-DNA position 697, G replaced by C.
Protein change: p.Val233Leu; replaces valine 233 with leucine.
Molecular consequence: missense variant.
Genome position (GRCh38, 1-based): chr20:63,442,525, C>G on the plus strand (G>C on the coding strand, the complement: KCNQ2 is on the minus strand). VCF-style: chr20-63442525-C-G. GRCh37 (hg19) VCF-style: chr20-62073878-C-G.
Other names: c.697G>C, p.Val233Leu (NM_001382235.1, NM_004518.6, NM_172106.3 and 2 more transcripts); short protein forms V233L.
Identifiers: ClinVar variation 2844195 (VCV002844195.3), dbSNP rs2516448391, ClinGen allele CA409654092.
Genomic context (GRCh38, chr20:63,442,525, plus strand): 5'-CCAAGTACACCAGGAACGAGGCCAGGATGAGACAAAGGAAGCCGATGTACCAGGCAGTGA[C>G]CAGCTCCTGAGAGGCAGACGGCACCACCATCATGACCACCATCACCAGAAGCATCACCAT-3'
Protein context (NP_742105.1, residues 223-243): SVVYAHSKEL[Val233Leu]TAWYIGFLCL